The following is an entry in ClinVar:

ClinVar aggregate classification (germline): Uncertain significance. Review status: criteria provided, multiple submitters, no conflicts (2 of 4 stars). 3 submissions from 3 submitters: Uncertain significance (3). Last evaluated 2025-03-04.

Conditions:
BGN-related disorder. Also called: BGN-related condition.

Allele frequency attached by ClinVar (database versions not stated): gnomAD exomes 0.00003.
gnomAD v4.1: 35 of 1,200,445 alleles (0.0029%); highest among the groups gnomAD compares: Non-Finnish European, 0.0037%; no homozygotes.

Submissions (3):

Labcorp Genetics (formerly Invitae), Labcorp
Classification: Uncertain significance. Last evaluated: 2025-03-04. Review status: criteria provided, single submitter. Criteria: Invitae Variant Classification Sherloc (09022015). Collection method: clinical testing. Allele origin: germline.
Comment: This sequence change replaces leucine, which is neutral and non-polar, with valine, which is neutral and non-polar, at codon 301 of the BGN protein (p.Leu301Val). This variant is present in population databases (no rsID available, gnomAD 0.004%). This variant has not been reported in the literature in individuals affected with BGN-related conditions. ClinVar contains an entry for this variant (Variation ID: 2634138). Invitae Evidence Modeling of protein sequence and biophysical properties (such as structural, functional, and spatial information, amino acid conservation, physicochemical variation, residue mobility, and thermodynamic stability) indicates that this missense variant is not expected to disrupt BGN protein function with a negative predictive value of 80%. In summary, the available evidence is currently insufficient to determine the role of this variant in disease. Therefore, it has been classified as a Variant of Uncertain Significance.

Blueprint Genetics
Classification: Uncertain significance. Last evaluated: 2023-10-26. Review status: criteria provided, single submitter. Criteria: ACMG Guidelines, 2015. Collection method: clinical testing. Allele origin: germline.

PreventionGenetics, part of Exact Sciences
Classification: Uncertain significance for BGN-related condition. Last evaluated: 2022-08-29. Review status: criteria provided, single submitter. Criteria: ACMG Guidelines, 2015. Collection method: clinical testing. Allele origin: germline.
Comment: The BGN c.901C>G variant is predicted to result in the amino acid substitution p.Leu301Val. To our knowledge, this variant has not been reported in the literature. This variant is reported in 0.0042% of alleles in individuals of European (Non-Finnish) descent in gnomAD, including one hemizygote from the control population. At this time, the clinical significance of this variant is uncertain due to the absence of conclusive functional and genetic evidence.

NM_001711.6(BGN):c.901C>G (p.Leu301Val)

Gene: BGN (biglycan; plus strand). Cytogenetic location: Xq28.
Variant type: single nucleotide variant.
Coding change: c.901C>G on transcript NM_001711.6 (MANE Select); coding-DNA position 901, C replaced by G.
Protein change: p.Leu301Val; replaces leucine 301 with valine.
Molecular consequence: missense variant.
Genome position (GRCh38, 1-based): chrX:153,507,177, C>G. VCF-style: chrX-153507177-C-G. GRCh37 (hg19) VCF-style: chrX-152772635-C-G.
Other names: short protein forms L301V.
Identifiers: ClinVar variation 2634138 (VCV002634138.3), dbSNP rs1156526092, ClinGen allele CA415071589.